The following is an entry in ClinVar:

NM_004360.5(CDH1):c.15C>T (p.Ser5=)

Gene: CDH1 (cadherin 1; plus strand). Cytogenetic location: 16q22.1.
Variant type: single nucleotide variant.
Coding change: c.15C>T on transcript NM_004360.5 (MANE Select); coding-DNA position 15, C replaced by T.
Protein change: p.Ser5=; no amino-acid change (serine 5 retained).
Molecular consequence: synonymous variant. On other transcripts: 5 prime UTR variant (2).
Genome position (GRCh38, 1-based): chr16:68,737,430, C>T. VCF-style: chr16-68737430-C-T. GRCh37 (hg19) VCF-style: chr16-68771333-C-T.
Other names: c.15C>T (LRG_301t1); c.15C>T, p.Ser5= (NM_001317184.2); c.-1601C>T (NM_001317185.2); c.-1805C>T (NM_001317186.2).
Identifiers: ClinVar variation 184111 (VCV000184111.21), dbSNP rs786201287, ClinGen allele CA187818.

ClinVar aggregate classification (germline): Benign/Likely benign. Review status: criteria provided, multiple submitters, no conflicts (2 of 4 stars). 5 submissions from 5 submitters: Benign (1); Likely benign (4). Last evaluated 2025-10-28.

Conditions:
Hereditary cancer-predisposing syndrome. Also called: Tumor predisposition; Hereditary Cancer Syndrome; Hereditary neoplastic syndrome; Neoplastic Syndromes, Hereditary. Identifiers: Orphanet 140162, MedGen C0027672, MeSH D009386, MONDO:0015356.
Hereditary diffuse gastric adenocarcinoma (HDGC). Also called: DIFFUSE GASTRIC AND LOBULAR BREAST CANCER SYNDROME. Identifiers: Orphanet 26106, MedGen C1708349, MONDO:0007648, OMIM 137215.

Allele frequency attached by ClinVar (database versions not stated): gnomAD 0.00001; TOPMed 0.00001.
gnomAD v4.1: 10 of 1,534,668 alleles (0.00065%); highest among the groups gnomAD compares: Non-Finnish European, 0.00078%; no homozygotes.

Submissions (5):

Labcorp Genetics (formerly Invitae), Labcorp
Classification: Likely benign for Hereditary diffuse gastric adenocarcinoma. Last evaluated: 2025-10-28. Review status: criteria provided, single submitter. Criteria: Invitae Variant Classification Sherloc (09022015). Collection method: clinical testing. Allele origin: germline.

Myriad Genetics, Inc.
Classification: Benign for Hereditary diffuse gastric adenocarcinoma. Last evaluated: 2024-09-10. Review status: criteria provided, single submitter. Criteria: Myriad Autosomal Dominant, Autosomal Recessive and X-Linked Classification Criteria (2023). Collection method: clinical testing. Allele origin: unknown.
Comment: This variant is considered benign. This variant is a silent/synonymous amino acid change and it is not expected to impact splicing.

GeneDx
Classification: Likely benign. Last evaluated: 2018-08-30. Review status: criteria provided, single submitter. Criteria: GeneDx Variant Classification Process June 2021. Collection method: clinical testing. Allele origin: germline. Affected: yes.

Color Diagnostics, LLC DBA Color Health
Classification: Likely benign for Hereditary cancer-predisposing syndrome. Last evaluated: 2018-05-31. Review status: criteria provided, single submitter. Criteria: ACMG Guidelines, 2015. Collection method: clinical testing. Allele origin: germline.

Ambry Genetics
Classification: Likely benign for Hereditary cancer-predisposing syndrome. Last evaluated: 2014-08-19. Review status: criteria provided, single submitter. Criteria: Ambry Variant Classification Scheme 2023. Collection method: clinical testing. Allele origin: germline.